The following is an entry in ClinVar:

ClinVar aggregate classification (germline): Likely benign. Review status: criteria provided, multiple submitters, no conflicts (2 of 4 stars). 2 submissions from 2 submitters: Likely benign (2). Last evaluated 2021-01-12.

Conditions:
Dilated cardiomyopathy 1G (CMD1G). Identifiers: Orphanet 154, MedGen C1858763, MONDO:0011400, OMIM 604145.
Autosomal recessive limb-girdle muscular dystrophy type 2J (LGMDR10). Also called: MUSCULAR DYSTROPHY, LIMB-GIRDLE, AUTOSOMAL RECESSIVE 10; Limb-girdle muscular dystrophy, type 2J. Identifiers: Orphanet 140922, MedGen C1837342, MONDO:0012127, OMIM 608807.

gnomAD v4.1: 1 of 1,614,106 alleles (0.000062%); highest among the groups gnomAD compares: South Asian, 0.0011%; no homozygotes.

Submissions (2):

Labcorp Genetics (formerly Invitae), Labcorp
Classification: Likely benign for Dilated cardiomyopathy 1G; Autosomal recessive limb-girdle muscular dystrophy type 2J. Last evaluated: 2021-01-12. Review status: criteria provided, single submitter. Criteria: Invitae Variant Classification Sherloc (09022015). Collection method: clinical testing. Allele origin: germline.

GeneDx
Classification: Likely benign. Last evaluated: 2018-05-21. Review status: criteria provided, single submitter. Criteria: GeneDx Variant Classification (06012015). Collection method: clinical testing. Allele origin: germline. Affected: yes.
Comment: This variant is considered likely benign or benign based on one or more of the following criteria: it is a conservative change, it occurs at a poorly conserved position in the protein, it is predicted to be benign by multiple in silico algorithms, and/or has population frequency not consistent with disease.

NM_001267550.2(TTN):c.415C>A (p.Arg139=)

Gene: TTN (titin; minus strand). Cytogenetic location: 2q31.2.
Variant type: single nucleotide variant.
Coding change: c.415C>A on transcript NM_001267550.2 (MANE Select); coding-DNA position 415, C replaced by A.
Protein change: p.Arg139=; no amino-acid change (arginine 139 retained).
Molecular consequence: synonymous variant.
Genome position (GRCh38, 1-based): chr2:178,800,563, G>T on the plus strand (C>A on the coding strand, the complement: TTN is on the minus strand). VCF-style: chr2-178800563-G-T. GRCh37 (hg19) VCF-style: chr2-179665290-G-T.
Other names: c.415C>A, p.Arg139= (NM_001256850.1, NM_003319.4, NM_133378.4 and 3 more transcripts).
Identifiers: ClinVar variation 668592 (VCV000668592.9), dbSNP rs752970602, ClinGen allele CA430118161.